The following is an entry in ClinVar:

ClinVar aggregate classification (germline): Pathogenic (1 of 4 stars; one submission).

Conditions:
Inborn genetic diseases. Identifiers: MedGen C0950123, MeSH D030342.

Submission:

Ambry Genetics
Classification: Pathogenic for Inborn genetic diseases. Last evaluated: 2024-02-08. Review status: criteria provided, single submitter. Criteria: Ambry Variant Classification Scheme 2023. Collection method: clinical testing. Allele origin: germline.
Comment: The c.1535C>A (p.S512*) alteration, located in exon 15 (coding exon 15) of the BRSK2 gene, consists of a C to A substitution at nucleotide position 1535. This changes the amino acid from a serine (S) to a stop codon at amino acid position 512. This alteration is expected to result in loss of function by premature protein truncation or nonsense-mediated mRNA decay This variant was not reported in population-based cohorts in the Genome Aggregation Database (gnomAD). Based on the available evidence, this alteration is classified as pathogenic.

NM_001256627.2(BRSK2):c.1535C>A (p.Ser512Ter)

Gene: BRSK2 (BR serine/threonine kinase 2; plus strand). Cytogenetic location: 11p15.5.
Variant type: single nucleotide variant.
Coding change: c.1535C>A on transcript NM_001256627.2 (MANE Select); coding-DNA position 1535, C replaced by A.
Protein change: p.Ser512Ter; replaces serine 512 with a stop codon.
Molecular consequence: nonsense. On other transcripts: non-coding transcript variant (1).
Genome position (GRCh38, 1-based): chr11:1,451,410, C>A. VCF-style: chr11-1451410-C-A. GRCh37 (hg19) VCF-style: chr11-1472640-C-A.
Other names: c.1535C>A, p.Ser512Ter (NM_001256629.2, NM_003957.4); c.1673C>A, p.Ser558Ter (NM_001256630.1); c.1355C>A, p.Ser452Ter (NM_001282218.2); short protein forms S558*, S452*, S512*.
Identifiers: ClinVar variation 3135160 (VCV003135160.1), dbSNP rs996650766, ClinGen allele CA379077062.